The following is an entry in ClinVar:

NM_001395002.1(MAP4K4):c.2854TCC[2] (p.Ser954del)

Gene: MAP4K4 (mitogen-activated protein kinase kinase kinase kinase 4; plus strand). Cytogenetic location: 2q11.2.
Variant type: Microsatellite.
Coding change: c.2854TCC[2] on transcript NM_001395002.1 (MANE Select); two copies in a row of the 3-base unit TCC starting at c.2854; the reference has three copies in a row; one copy, 3 bases deleted.
Protein change: p.Ser954del; deletes serine 954.
Molecular consequence: inframe deletion. On other transcripts: non-coding transcript variant (1), intron variant (29).
Genome position (GRCh38, 1-based): chr2:101,871,593-101,871,595, TCC deleted; deleting any 3 consecutive bases within chr2:101,871,587-101,871,595 gives the same sequence; the position shown is the placement nearest the transcript's 3' end. VCF-style (leftmost placement, unchanged base first): chr2-101871586-TTCC-T. GRCh37 (hg19) VCF-style: chr2-102488048-TTCC-T.
Other names: c.2686TCC[2], p.Ser898del (NM_001384477.1); c.2614TCC[2], p.Ser874del (NM_001384481.1); c.2449TCC[2], p.Ser819del (NM_001384483.1); c.2623TCC[2], p.Ser877del (NM_001384486.1); c.2590TCC[2], p.Ser866del (NM_001384487.1); c.2620TCC[2], p.Ser876del (NM_001384488.1); c.2758TCC[2], p.Ser922del (NM_001384492.1); c.2692TCC[2], p.Ser900del (NM_001384493.1); and 40 more; short protein forms S782del, S783del, S792del, S819del, S820del, S843del, S860del, S865del.
Identifiers: ClinVar variation 3369360 (VCV003369360.1).

ClinVar aggregate classification (germline): Uncertain significance (1 of 4 stars; one submission).

Submission:

GeneDx
Classification: Uncertain significance. Last evaluated: 2024-02-20. Review status: criteria provided, single submitter. Criteria: GeneDx Variant Classification Process June 2021. Collection method: clinical testing. Allele origin: germline. Affected: yes.
Comment: Not observed at significant frequency in large population cohorts (gnomAD); In-frame deletion of 1 amino acid in a non-repeat region; In silico analysis supports a deleterious effect on protein structure/function; Has not been previously published as pathogenic or benign to our knowledge